The following is an entry in ClinVar:

NC_012920.1(MT-ATP8):m.8448T>C

Gene: MT-ATP8 (mitochondrially encoded ATP synthase 8; plus strand).
Variant type: single nucleotide variant.
Genome position: chrM-8448-T-C.
Identifiers: ClinVar variation 692859 (VCV000692859.2), dbSNP rs879056797, ClinGen allele CA337097875.

ClinVar aggregate classification (germline): Benign. Review status: criteria provided, multiple submitters, no conflicts (2 of 4 stars). 2 submissions from 2 submitters: Benign (2). Last evaluated 2025-02-16.

Conditions:
Leigh syndrome (NULS). Also called: Leigh's necrotizing encephalopathy; Leigh's disease; Leigh Syndrome (mtDNA deletion); Leigh Disease; Subacute necrotizing encephalopathy; Necrotizing encephalopathy infantile subacute of Leigh. Identifiers: Orphanet 506, MedGen C2931891, MONDO:0009723, OMIM 256000.

Submissions (2):

Laboratory of Genetics, Children's Clinical University Hospital Latvia
Classification: Benign. Last evaluated: 2025-02-16. Review status: criteria provided, single submitter. Criteria: ACMG Guidelines, 2015. Collection method: clinical testing. Allele origin: germline. Affected: yes.

Wong Mito Lab, Molecular and Human Genetics, Baylor College of Medicine
Classification: Benign for Leigh syndrome. Last evaluated: 2019-10-17. Review status: criteria provided, single submitter. Criteria: Modified ACMG Guidelines (Unpublished). Collection method: clinical testing. Allele origin: germline.
Comment: The NC_012920.1:m.8448T>C (YP_003024030.1:p.Met28Thr) variant in MTATP8 gene is interpretated to be a Benign variant based on the modified ACMG guidelines (unpublished). This variant meets the following evidence codes: BS1, BS2, BP4